The following is an entry in ClinVar:

ClinVar aggregate classification (germline): Uncertain significance (1 of 4 stars; one submission).

Submission:

Labcorp Genetics (formerly Invitae), Labcorp
Classification: Uncertain significance. Last evaluated: 2022-10-18. Review status: criteria provided, single submitter. Criteria: Invitae Variant Classification Sherloc (09022015). Collection method: clinical testing. Allele origin: germline.
Comment: In summary, the available evidence is currently insufficient to determine the role of this variant in disease. Therefore, it has been classified as a Variant of Uncertain Significance. Algorithms developed to predict the effect of sequence changes on RNA splicing suggest that this variant may create or strengthen a splice site. This variant has not been reported in the literature in individuals affected with FBN3-related conditions. This variant is not present in population databases (gnomAD no frequency). This sequence change falls in intron 16 of the FBN3 gene. It does not directly change the encoded amino acid sequence of the FBN3 protein.

NM_032447.5(FBN3):c.2045-16CCT[2]

Gene: FBN3 (fibrillin 3; minus strand). Cytogenetic location: 19p13.2.
Variant type: Microsatellite.
Coding change: c.2045-16CCT[2] on transcript NM_032447.5 (MANE Select); two copies in a row of the 3-base unit CCT starting at c.2045-16; the reference has three copies in a row; one copy, 3 bases deleted.
Molecular consequence: intron variant.
Genome position (GRCh38, 1-based): chr19:8,129,373-8,129,375, AGG deleted on the plus strand (CCT on the coding strand, the reverse complement: FBN3 is on the minus strand); deleting any 3 consecutive bases within chr19:8,129,373-8,129,381 gives the same sequence; the position shown is the placement nearest the transcript's 3' end. VCF-style (leftmost placement, unchanged base first): chr19-8129372-CAGG-C. GRCh37 (hg19) VCF-style: chr19-8194256-CAGG-C.
Other names: c.2045-16CCT[2] (NM_001321431.2).
Identifiers: ClinVar variation 2035997 (VCV002035997.4), dbSNP rs2512911531, ClinGen allele CA2580613039.